The following is an entry in ClinVar:

ClinVar aggregate classification (germline): Uncertain significance. Review status: criteria provided, multiple submitters, no conflicts (2 of 4 stars). 3 submissions from 3 submitters: Uncertain significance (3). Last evaluated 2024-10-03.

Conditions:
Dilated cardiomyopathy 1HH (CMD1HH). Identifiers: Orphanet 154, MedGen C3151293, MONDO:0013479, OMIM 613881.
Myofibrillar myopathy 6. Identifiers: Orphanet 199340, MedGen C2751831, MONDO:0013061, OMIM 612954.

gnomAD v4.1: 3 of 1,613,856 alleles (0.00019%); highest among the groups gnomAD compares: Non-Finnish European, 0.00025%; no homozygotes.

Submissions (3):

Blueprint Genetics
Classification: Uncertain significance. Last evaluated: 2024-10-03. Review status: criteria provided, single submitter. Criteria: ACMG Guidelines, 2015. Collection method: clinical testing. Allele origin: germline.

Labcorp Genetics (formerly Invitae), Labcorp
Classification: Uncertain significance for Dilated cardiomyopathy 1HH; Myofibrillar myopathy 6. Last evaluated: 2022-06-23. Review status: criteria provided, single submitter. Criteria: Invitae Variant Classification Sherloc (09022015). Collection method: clinical testing. Allele origin: germline.
Comment: This sequence change replaces alanine, which is neutral and non-polar, with valine, which is neutral and non-polar, at codon 263 of the BAG3 protein (p.Ala263Val). This variant is not present in population databases (gnomAD no frequency). This variant has not been reported in the literature in individuals affected with BAG3-related conditions. ClinVar contains an entry for this variant (Variation ID: 389965). Algorithms developed to predict the effect of missense changes on protein structure and function output the following: SIFT: "Tolerated"; PolyPhen-2: "Benign"; Align-GVGD: "Class C0". The valine amino acid residue is found in multiple mammalian species, which suggests that this missense change does not adversely affect protein function. Algorithms developed to predict the effect of sequence changes on RNA splicing suggest that this variant may create or strengthen a splice site. In summary, the available evidence is currently insufficient to determine the role of this variant in disease. Therefore, it has been classified as a Variant of Uncertain Significance.

GeneDx
Classification: Uncertain significance. Last evaluated: 2016-10-26. Review status: criteria provided, single submitter. Criteria: GeneDx Variant Classification (06012015). Collection method: clinical testing. Allele origin: germline. Affected: yes.
Comment: A variant of uncertain significance has been identified in the BAG3 gene. The A263V variant has not been published as a pathogenic variant, nor has it been reported as a benign variant to our knowledge. It was not observed in approximately 6,500 individuals of European and African American ancestry in the NHLBI Exome Sequencing Project, indicating it is not a common benign variant in these populations. The A263V variant is a conservative amino acid substitution, which is not likely to impact secondary protein structure as these residues share similar properties. This substitution occurs at a position that is not conserved. In silico analysis is inconsistent in its predictions as to whether or not the variant is damaging to the protein structure/function. Based on the currently available information, it is unclear whether this variant is a pathogenic variant or a rare benign variant.

NM_004281.4(BAG3):c.788C>T (p.Ala263Val)

Gene: BAG3 (BAG cochaperone 3; plus strand). Cytogenetic location: 10q26.11.
Variant type: single nucleotide variant.
Coding change: c.788C>T on transcript NM_004281.4 (MANE Select); coding-DNA position 788, C replaced by T.
Protein change: p.Ala263Val; replaces alanine 263 with valine.
Molecular consequence: missense variant.
Genome position (GRCh38, 1-based): chr10:119,672,535, C>T. VCF-style: chr10-119672535-C-T. GRCh37 (hg19) VCF-style: chr10-121432047-C-T.
Other names: short protein forms A263V.
Identifiers: ClinVar variation 389965 (VCV000389965.10), dbSNP rs1057523599, ClinGen allele CA16605990.